The following is an entry in ClinVar:

ClinVar aggregate classification (germline): Likely benign (1 of 4 stars; one submission).

Allele frequency attached by ClinVar (database versions not stated): TOPMed below 0.00001; gnomAD 0.00035; ExAC 0.00043; 1000 Genomes Project 30x 0.00047; 1000 Genomes Project 0.00060.
gnomAD v4.1: 347 of 1,611,694 alleles (0.022%); highest among the groups gnomAD compares: Non-Finnish European, 0.0039%; 4 homozygotes.

Submission:

CeGaT Center for Human Genetics Tuebingen
Classification: Likely benign. Last evaluated: 2024-11-01. Review status: criteria provided, single submitter. Criteria: CeGaT Center For Human Genetics Tuebingen Variant Classification Criteria Version 2. Collection method: clinical testing. Allele origin: germline. Affected: yes. Observed: 2 variant alleles.
Comment: COLEC10: BP4, BP7

NM_006438.5(COLEC10):c.420A>T (p.Thr140=)

Gene: COLEC10 (collectin subfamily member 10; plus strand). Cytogenetic location: 8q24.12.
Variant type: single nucleotide variant.
Coding change: c.420A>T on transcript NM_006438.5 (MANE Select); coding-DNA position 420, A replaced by T.
Protein change: p.Thr140=; no amino-acid change (threonine 140 retained).
Molecular consequence: synonymous variant.
Genome position (GRCh38, 1-based): chr8:119,103,873, A>T. VCF-style: chr8-119103873-A-T. GRCh37 (hg19) VCF-style: chr8-120116112-A-T.
Other names: c.213A>T, p.Thr71= (NM_001324095.2).
Identifiers: ClinVar variation 2658777 (VCV002658777.24), dbSNP rs199524307, ClinGen allele CA4855200.